The following is an entry in ClinVar:

NM_001267550.2(TTN):c.29183A>G (p.Asn9728Ser)

Gene: TTN (titin; minus strand). Cytogenetic location: 2q31.2.
Variant type: single nucleotide variant.
Coding change: c.29183A>G on transcript NM_001267550.2 (MANE Select); coding-DNA position 29183, A replaced by G.
Protein change: p.Asn9728Ser; replaces asparagine 9728 with serine.
Molecular consequence: missense variant. On other transcripts: intron variant (3).
Genome position (GRCh38, 1-based): chr2:178,706,691, T>C on the plus strand (A>G on the coding strand, the complement: TTN is on the minus strand). VCF-style: chr2-178706691-T-C. GRCh37 (hg19) VCF-style: chr2-179571418-T-C.
Other names: p.N9411S:AAT>AGT; c.28232A>G, p.Asn9411Ser (NM_001256850.1); c.25451A>G, p.Asn8484Ser (NM_133378.4); c.13282+31391A>G (NM_003319.4); c.13858+31391A>G (NM_133437.4); c.13657+31391A>G (NM_133432.3); short protein forms N9411S, N9728S, N8484S.
Identifiers: ClinVar variation 202549 (VCV000202549.4), dbSNP rs374981132, ClinGen allele CA309557.

ClinVar aggregate classification (germline): Uncertain significance. Review status: criteria provided, single submitter (1 of 4 stars). 4 submissions from 4 submitters: Uncertain significance (1). 3 of the submissions do not count toward it. Last evaluated 2024-10-21.

Allele frequency attached by ClinVar (database versions not stated): gnomAD 0.00001; gnomAD exomes 0.00002 and 0.00004; TOPMed 0.00002; ExAC 0.00004; ESP Exome Variant Server 0.00008.
gnomAD v4.1: 33 of 1,613,344 alleles (0.002%); highest among the groups gnomAD compares: Non-Finnish European, 0.0025%; no homozygotes.

Submissions (4):

ARUP Laboratories, Molecular Genetics and Genomics, ARUP Laboratories
Classification: Uncertain significance. Last evaluated: 2024-10-21. Review status: criteria provided, single submitter. Criteria: ARUP Molecular Germline Variant Investigation Process 2024. Collection method: clinical testing. Allele origin: germline.
Comment: The TTN c.29183A>G; p.Asn9728Ser variant (rs374981132; ClinVar Variation ID: 202549) is rare in the general population (<0.2% allele frequency in the Genome Aggregation Database) and has not been reported in the medical literature in association with dilated cardiomyopathy (DCM) or other TTN-related disease. The clinical relevance of rare missense variants in this gene, which are identified on average once per individual sequenced in affected populations (Herman 2012), is not well understood. Yet, evidence suggests that the vast majority of such missense variants do not contribute to the clinical outcome of DCM (Begay 2015). Thus, the clinical significance of the p.Asn9728Ser variant cannot be determined with certainty. References: Begay RL et al. Role of Titin Missense Variants in Dilated Cardiomyopathy. J Am Heart Assoc. 2015 Nov 13;4(11). PMID: 26567375. Herman DS et al. Truncations of titin causing dilated cardiomyopathy. N Engl J Med. 2012 Feb 16;366(7):619-28. PMID: 22335739.

GeneDx
No classification provided. Last evaluated: 2013-02-27. Review status: no classification provided. Criteria: GeneDx Variant Classification (06012015). Collection method: clinical testing. Allele origin: germline. Affected: yes. Not counted in ClinVar's aggregate classification.
Comment: Missense variants in the TTN gene are considered 'unclassified' if they are not previously reported in the literature and do not have >1% frequency in the population to be considered a polymorphism. Research indicates that truncating mutations in the TTN gene are expected to account for approximately 25% of familial and 18% of sporadic idiopathic DCM; however, truncating variants in the TTN gene have been reported in approximately 3% of reported control alleles. There has been little investigation into non-truncating variants. (Herman D et al. Truncations of titin causing dilated cardiomyopathy. N Eng J Med 366:619-628, 2012) The variant is found in DCM panel(s).

Clinical Genetics DNA and cytogenetics Diagnostics Lab, Erasmus MC, Erasmus Medical Center
Classification: Uncertain significance. Review status: no assertion criteria provided. Collection method: clinical testing. Allele origin: germline. Affected: yes. Study: VKGL Data-share Consensus. Not counted in ClinVar's aggregate classification.

Diagnostic Laboratory, Department of Genetics, University Medical Center Groningen
Classification: Uncertain significance. Review status: no assertion criteria provided. Collection method: clinical testing. Allele origin: germline. Affected: yes. Study: VKGL Data-share Consensus. Not counted in ClinVar's aggregate classification.